The following is an entry in ClinVar:

ClinVar aggregate classification (germline): Uncertain significance. Review status: criteria provided, multiple submitters, no conflicts (2 of 4 stars). 3 submissions from 3 submitters: Uncertain significance (3). Last evaluated 2025-10-03.

Conditions:
Long QT syndrome (LQTS). Identifiers: MedGen C0023976, MeSH D008133, MONDO:0002442. Disease mechanism: loss of function. Inheritance: Various modes of inheritance.
Cardiovascular phenotype. Identifiers: MedGen CN230736.

Allele frequency attached by ClinVar (database versions not stated): gnomAD 0.00002; TOPMed 0.00003.
gnomAD v4.1: 50 of 1,596,908 alleles (0.0031%); highest among the groups gnomAD compares: Non-Finnish European, 0.0042%; no homozygotes.

Submissions (3):

Labcorp Genetics (formerly Invitae), Labcorp
Classification: Uncertain significance for Long QT syndrome. Last evaluated: 2025-10-03. Review status: criteria provided, single submitter. Criteria: Invitae Variant Classification Sherloc (09022015). Collection method: clinical testing. Allele origin: germline.
Comment: This sequence change replaces proline, which is neutral and non-polar, with serine, which is neutral and polar, at codon 1800 of the CACNA1C protein (p.Pro1800Ser). This variant is present in population databases (no rsID available, gnomAD 0.0009%). This variant has not been reported in the literature in individuals affected with CACNA1C-related conditions. ClinVar contains an entry for this variant (Variation ID: 646004). Invitae Evidence Modeling of protein sequence and biophysical properties (such as structural, functional, and spatial information, amino acid conservation, physicochemical variation, residue mobility, and thermodynamic stability) indicates that this missense variant is not expected to disrupt CACNA1C protein function with a negative predictive value of 95%. In summary, the available evidence is currently insufficient to determine the role of this variant in disease. Therefore, it has been classified as a Variant of Uncertain Significance.

Mayo Clinic Laboratories, Mayo Clinic
Classification: Uncertain significance. Last evaluated: 2022-10-25. Review status: criteria provided, single submitter. Criteria: ACMG Guidelines, 2015. Collection method: clinical testing. Allele origin: germline. Observed: 1 variant allele.
Comment: PP2

Ambry Genetics
Classification: Uncertain significance for Cardiovascular phenotype. Last evaluated: 2020-01-09. Review status: criteria provided, single submitter. Criteria: Ambry Variant Classification Scheme 2023. Collection method: clinical testing. Allele origin: germline.
Comment: The p.P1800S variant (also known as c.5398C>T), located in coding exon 42 of the CACNA1C gene, results from a C to T substitution at nucleotide position 5398. The proline at codon 1800 is replaced by serine, an amino acid with similar properties. This amino acid position is highly conserved in available vertebrate species. In addition, the in silico prediction for this alteration is inconclusive. Since supporting evidence is limited at this time, the clinical significance of this alteration remains unclear.

NM_000719.7(CACNA1C):c.5398C>T (p.Pro1800Ser)

Genes: CACNA1C (calcium voltage-gated channel subunit alpha1 C; plus strand), CACNA1C-AS1 (CACNA1C antisense RNA 1; minus strand). Cytogenetic location: 12p13.33.
Variant type: single nucleotide variant.
Coding change: c.5398C>T on transcript NM_000719.7 (MANE Select); coding-DNA position 5398, C replaced by T.
Protein change: p.Pro1800Ser; replaces proline 1800 with serine.
Molecular consequence: missense variant.
Genome position (GRCh38, 1-based): chr12:2,679,750, C>T. VCF-style: chr12-2679750-C-T. GRCh37 (hg19) VCF-style: chr12-2788916-C-T.
Other names: p.Pro1800Ser; c.5542C>T, p.Pro1848Ser (NM_001129827.2, NM_199460.4); c.5521C>T, p.Pro1841Ser (NM_001129829.2); c.5398C>T, p.Pro1800Ser (NM_001129830.3, NM_001129840.2, NM_001129841.2 and 4 more transcripts); c.5482C>T, p.Pro1828Ser (NM_001129831.2); c.5458C>T, p.Pro1820Ser (NM_001129832.2); c.5455C>T, p.Pro1819Ser (NM_001129833.2, NM_001129834.2, NM_001129835.2); c.5449C>T, p.Pro1817Ser (NM_001129836.2); and 4 more; short protein forms P1806S, P1828S, P1841S, P1797S, P1817S, P1820S, P1800S, P1808S.
Identifiers: ClinVar variation 646004 (VCV000646004.11), dbSNP rs921032597, ClinGen allele CA231611331.